The following is an entry in ClinVar:

NM_001330360.2(POLA1):c.1768T>G (p.Cys590Gly)

Gene: POLA1 (DNA polymerase alpha 1, catalytic subunit; plus strand). Cytogenetic location: Xp22.11.
Variant type: single nucleotide variant.
Coding change: c.1768T>G on transcript NM_001330360.2 (MANE Select); coding-DNA position 1768, T replaced by G.
Protein change: p.Cys590Gly; replaces cysteine 590 with glycine.
Molecular consequence: missense variant. On other transcripts: non-coding transcript variant (2).
Genome position (GRCh38, 1-based): chrX:24,732,451, T>G. VCF-style: chrX-24732451-T-G. GRCh37 (hg19) VCF-style: chrX-24750568-T-G.
Other names: c.1693T>G, p.Cys565Gly (NM_001378303.1); c.1750T>G, p.Cys584Gly (NM_016937.4); short protein forms C565G, C584G, C590G.
Identifiers: ClinVar variation 2637071 (VCV002637071.4), dbSNP rs2518808212, ClinGen allele CA412534659.

ClinVar aggregate classification (germline): Uncertain significance. Review status: criteria provided, multiple submitters, no conflicts (2 of 4 stars). 2 submissions from 2 submitters: Uncertain significance (2). Last evaluated 2023-10-28.

Conditions:
POLA1-related disorder. Also called: POLA1-related condition.

Submissions (2):

Labcorp Genetics (formerly Invitae), Labcorp
Classification: Uncertain significance. Last evaluated: 2023-10-28. Review status: criteria provided, single submitter. Criteria: Invitae Variant Classification Sherloc (09022015). Collection method: clinical testing. Allele origin: germline.
Comment: This sequence change replaces cysteine, which is neutral and slightly polar, with glycine, which is neutral and non-polar, at codon 584 of the POLA1 protein (p.Cys584Gly). This variant is not present in population databases (gnomAD no frequency). This variant has not been reported in the literature in individuals affected with POLA1-related conditions. Advanced modeling of protein sequence and biophysical properties (such as structural, functional, and spatial information, amino acid conservation, physicochemical variation, residue mobility, and thermodynamic stability) performed at Invitae indicates that this missense variant is expected to disrupt POLA1 protein function with a positive predictive value of 80%. In summary, the available evidence is currently insufficient to determine the role of this variant in disease. Therefore, it has been classified as a Variant of Uncertain Significance.

PreventionGenetics, part of Exact Sciences
Classification: Uncertain significance for POLA1-related condition. Last evaluated: 2022-10-07. Review status: criteria provided, single submitter. Criteria: ACMG Guidelines, 2015. Collection method: clinical testing. Allele origin: germline.
Comment: The POLA1 c.1750T>G variant is predicted to result in the amino acid substitution p.Cys584Gly. To our knowledge, this variant has not been reported in the literature or in a large population database, indicating this variant is rare. At this time, the clinical significance of this variant is uncertain due to the absence of conclusive functional and genetic evidence.